The following is an entry in ClinVar:

NM_003184.4(TAF2):c.770T>C (p.Leu257Pro)

Gene: TAF2 (TATA-box binding protein associated factor 2; minus strand). Cytogenetic location: 8q24.12.
Variant type: single nucleotide variant.
Coding change: c.770T>C on transcript NM_003184.4 (MANE Select); coding-DNA position 770, T replaced by C.
Protein change: p.Leu257Pro; replaces leucine 257 with proline.
Molecular consequence: missense variant.
Genome position (GRCh38, 1-based): chr8:119,801,816, A>G on the plus strand (T>C on the coding strand, the complement: TAF2 is on the minus strand). VCF-style: chr8-119801816-A-G. GRCh37 (hg19) VCF-style: chr8-120814056-A-G.
Other names: short protein forms L257P.
Identifiers: ClinVar variation 3360330 (VCV003360330.1).

ClinVar aggregate classification (germline): Uncertain significance (1 of 4 stars; one submission).

Submission:

GeneDx
Classification: Uncertain significance. Last evaluated: 2023-06-29. Review status: criteria provided, single submitter. Criteria: GeneDx Variant Classification Process June 2021. Collection method: clinical testing. Allele origin: germline. Affected: yes.
Comment: Not observed at significant frequency in large population cohorts (gnomAD); In silico analysis supports that this missense variant has a deleterious effect on protein structure/function; Has not been previously published as pathogenic or benign to our knowledge